The following is an entry in ClinVar:

ClinVar aggregate classification (germline): Likely benign (1 of 4 stars; one submission).

Conditions:
PLXNA4-related disorder. Also called: PLXNA4-related condition.

gnomAD v4.1: 2 of 1,614,206 alleles (0.00012%); highest among the groups gnomAD compares: Non-Finnish European, 0.00017%; no homozygotes.

Submission:

PreventionGenetics, part of Exact Sciences
Classification: Likely benign for PLXNA4-related condition. Last evaluated: 2025-01-19. Review status: criteria provided, single submitter. Criteria: ACMG Guidelines, 2015. Collection method: clinical testing. Allele origin: germline.
Comment: This variant is classified as likely benign based on ACMG/AMP sequence variant interpretation guidelines (Richards et al. 2015 PMID: 25741868, with internal and published modifications).

NM_020911.2(PLXNA4):c.354C>G (p.Leu118=)

Gene: PLXNA4 (plexin A4; minus strand). Cytogenetic location: 7q32.3.
Variant type: single nucleotide variant.
Coding change: c.354C>G on transcript NM_020911.2 (MANE Select); coding-DNA position 354, C replaced by G.
Protein change: p.Leu118=; no amino-acid change (leucine 118 retained).
Molecular consequence: synonymous variant.
Genome position (GRCh38, 1-based): chr7:132,508,340, G>C on the plus strand (C>G on the coding strand, the complement: PLXNA4 is on the minus strand). VCF-style: chr7-132508340-G-C. GRCh37 (hg19) VCF-style: chr7-132193099-G-C.
Other names: c.354C>G, p.Leu118= (NM_001105543.2, NM_001393897.1, NM_181775.4).
Identifiers: ClinVar variation 4978321 (VCV004978321.1).